The following is an entry in ClinVar:

NM_172107.4(KCNQ2):c.1888-82C>G

Gene: KCNQ2 (potassium voltage-gated channel subfamily Q member 2; minus strand). Cytogenetic location: 20q13.33.
Variant type: single nucleotide variant.
Coding change: c.1888-82C>G on transcript NM_172107.4 (MANE Select); 82 bases into the intron before coding-DNA position 1888, C replaced by G.
Molecular consequence: intron variant.
Genome position (GRCh38, 1-based): chr20:63,407,457, G>C on the plus strand (C>G on the coding strand, the complement: KCNQ2 is on the minus strand). VCF-style: chr20-63407457-G-C. GRCh37 (hg19) VCF-style: chr20-62038810-G-C.
Other names: c.1804-82C>G (NM_004518.6); c.1795-82C>G (NM_172108.5); c.1834-82C>G (NM_172106.3).
Identifiers: ClinVar variation 670663 (VCV000670663.4), dbSNP rs3746363, ClinGen allele CA317422806.
Genomic context (GRCh38, chr20:63,407,457, plus strand): 5'-TGGGGTGCGAGGGCCCGTCCCAGGAGATGTGGGGACCCAGGCTGCTCCCAGGAAATGGGG[G>C]GGCCCAGGCTGGTTCCAGGAAACAGGAGAGACCCAGGCTAGTCCCAGGAAACGGGGGACC-3'

ClinVar aggregate classification (germline): Benign. Review status: criteria provided, multiple submitters, no conflicts (2 of 4 stars). 3 submissions from 3 submitters: Benign (3). Last evaluated 2024-07-15.

Allele frequency attached by ClinVar (database versions not stated): gnomAD exomes 0.07353; gnomAD 0.18200 and 0.18226; TOPMed 0.19695; 1000 Genomes Project 30x 0.22783; 1000 Genomes Project 0.23522.
gnomAD v4.1: 111,191 of 1,274,820 alleles (8.7%); highest among the groups gnomAD compares: East Asian, 41%; 10,528 homozygotes.

Submissions (3):

Unidad de Genómica Garrahan, Hospital de Pediatría Garrahan
Classification: Benign. Last evaluated: 2024-07-15. Review status: criteria provided, single submitter. Criteria: ACMG Guidelines, 2015. Collection method: clinical testing. Allele origin: germline. Affected: no. Observed: 25 variant alleles.
Comment: This variant is classified as Benign based on local population frequency. This variant was detected in 27% of patients studied in a panel designed for Epileptic and Developmental Encephalopathy and Progressive Myoclonus Epilepsy. Number of patients: 25. Only high quality variants are reported.

GeneDx
Classification: Benign. Last evaluated: 2018-06-19. Review status: criteria provided, single submitter. Criteria: GeneDx Variant Classification (06012015). Collection method: clinical testing. Allele origin: germline. Affected: yes.
Comment: This variant is considered likely benign or benign based on one or more of the following criteria: it is a conservative change, it occurs at a poorly conserved position in the protein, it is predicted to be benign by multiple in silico algorithms, and/or has population frequency not consistent with disease.

Breakthrough Genomics
Classification: Benign. Review status: criteria provided, single submitter. Criteria: ACMG Guidelines, 2015. Collection method: not provided. Allele origin: germline. Inheritance: Autosomal dominant inheritance. Affected: yes.